The following is an entry in ClinVar:

NM_000038.6(APC):c.3567dup (p.Ser1190fs)

Gene: APC (APC regulator of Wnt signaling pathway; plus strand). Cytogenetic location: 5q22.2.
Variant type: Duplication.
Coding change: c.3567dup on transcript NM_000038.6 (MANE Select); coding-DNA position 3567, one base duplicated (A; older notation c.3567dupA).
Protein change: p.Ser1190fs; shifts the reading frame from serine 1190.
Molecular consequence: frameshift variant.
Genome position (GRCh38, 1-based): chr5:112,839,161, A duplicated. VCF-style (leftmost placement, unchanged base first): chr5-112839160-C-CA. GRCh37 (hg19) VCF-style: chr5-112174857-C-CA.
Other names: c.3567dupA (NM_000038.5); c.3567dup, p.Ser1190fs (NM_001127510.3, NM_001354895.2); c.3513dup, p.Ser1172fs (NM_001127511.3); c.3621dup, p.Ser1208fs (NM_001354896.2); c.3597dup, p.Ser1200fs (NM_001354897.2); c.3492dup, p.Ser1165fs (NM_001354898.2); c.3483dup, p.Ser1162fs (NM_001354899.2); c.3444dup, p.Ser1149fs (NM_001354900.2); and 6 more; short protein forms S1030fs, S1190fs, S1208fs, S1162fs, S907fs, S1089fs, S1099fs, S1131fs.
Identifiers: ClinVar variation 433649 (VCV000433649.2), dbSNP rs1554085117, ClinGen allele CA645372788.

ClinVar aggregate classification (germline): Pathogenic (0 of 4 stars; one submission).

Conditions:
Carcinoma of colon (CRC). Also called: Colon carcinoma; Colonic carcinoma. Identifiers: MedGen C0699790, MONDO:0002032.

Submission:

Department of Pathology and Laboratory Medicine, Sinai Health System
Classification: Pathogenic for Carcinoma of colon. Review status: no assertion criteria provided. Collection method: clinical testing. Allele origin: unknown. Affected: yes. Study: The Canadian Open Genetics Repository (COGR).
Comment: The APC p.Ser1190IlefsX18 variant was not identified in the literature nor was it identified in the following databases: dbSNP, NHLBI Exome Sequencing Project (Exome Variant Server), Exome Aggregation Consortium (ExAC) database, HGMD, COSMIC, MutDB, â€šÃ„ÃºMismatch Repair Genes Variant Databaseâ€šÃ„Ã¹, â€šÃ„ÃºMMR Gene Unclassified Variants Databaseâ€šÃ„Ã¹, InSiGHT Colon Cancer Gene Variant Database, â€šÃ„ÃºZhejiang Colon Cancer Databaseâ€šÃ„Ã¹, the ClinVar database, GeneInsight VariantWire database and UMD. The p.Ser1190IlefsX18 duplication variant is predicted to cause a frameshift, which alters the protein's amino acid sequence beginning at codon 1190 and leads to a premature stop codon 18 codons downstream. This alteration is then predicted to result in a truncated or absent protein and loss of function. Loss of function variants of the APC gene are an established mechanism of disease in familial adenomatous polyposis and is the type of variant expected to cause the disorder. In summary, based on the above information, this variant meets our laboratoryâ€šÃ„Ã´s criteria to be classified as pathogenic.